The following is an entry in ClinVar:

ClinVar aggregate classification (germline): Pathogenic/Likely pathogenic. Review status: criteria provided, multiple submitters, no conflicts (2 of 4 stars). 4 submissions from 4 submitters: Pathogenic (2); Likely pathogenic (2). Last evaluated 2025-07-14.

Conditions:
GLRA1-related disorder. Also called: GLRA1-related condition.
Hereditary hyperekplexia. Identifiers: Orphanet 3197, MedGen C4084968, MONDO:0021022.
Hyperekplexia 1 (STHE). Also called: EXAGGERATED STARTLE REACTION; HYPEREKPLEXIA 1, AUTOSOMAL DOMINANT; HYPEREKPLEXIA 1, AUTOSOMAL RECESSIVE; KOK DISEASE; STARTLE DISEASE, FAMILIAL; STIFF-BABY SYNDROME. Identifiers: Orphanet 3197, MedGen C4551954, MONDO:0007868, OMIM 149400.

Submissions (4):

PreventionGenetics, part of Exact Sciences
Classification: Likely pathogenic for GLRA1-related condition. Last evaluated: 2025-07-14. Review status: criteria provided, single submitter. Criteria: ACMG Guidelines, 2015. Collection method: clinical testing. Allele origin: germline.
Comment: The GLRA1 c.403delC variant is predicted to result in a frameshift and premature protein termination (p.His135Thrfs*12). This variant was identified as a carrier status variant in an apparently healthy newborn as part of the BabySeq project (Supplemental Table 2, Ceyhan-Birsoy et al. 2019. PubMed ID: 30609409). This variant has not been reported in a large population database (gnomAD), indicating this variant is rare. Frameshift variants in GLRA1 are expected to be pathogenic for autosomal recessive hyperekplexia, though heterozygous individuals may present with mild disease (Ferraroli et al. 2022. PubMed ID: 35636282; Milenkovic et al. 2018. PubMed ID: 30182260). This variant is interpreted as likely pathogenic.

Labcorp Genetics (formerly Invitae), Labcorp
Classification: Pathogenic for Hereditary hyperekplexia. Last evaluated: 2025-03-27. Review status: criteria provided, single submitter. Criteria: Invitae Variant Classification Sherloc (09022015). Collection method: clinical testing. Allele origin: germline.
Comment: This sequence change creates a premature translational stop signal (p.His135Thrfs*12) in the GLRA1 gene. It is expected to result in an absent or disrupted protein product. Loss-of-function variants in GLRA1 are known to be pathogenic (PMID: 20631190, 24108130). This variant is not present in population databases (gnomAD no frequency). This variant has not been reported in the literature in individuals affected with GLRA1-related conditions. ClinVar contains an entry for this variant (Variation ID: 666970). For these reasons, this variant has been classified as Pathogenic.

GeneDx
Classification: Pathogenic. Last evaluated: 2024-11-21. Review status: criteria provided, single submitter. Criteria: GeneDx Variant Classification Process June 2021. Collection method: clinical testing. Allele origin: germline. Affected: yes.
Comment: Reported as a single heterozygous variant in a newborn undergoing exome sequencing through the BabySeq Project; no detailed clinical information was provided (PMID: 30609409); Frameshift variant predicted to result in protein truncation or nonsense mediated decay in a gene for which loss-of-function is a known mechanism of disease; Not observed in large population cohorts (gnomAD); This variant is associated with the following publications: (PMID: 30609409)

Laboratory for Molecular Medicine, Mass General Brigham Personalized Medicine
Classification: Likely pathogenic for Hereditary hyperekplexia. Last evaluated: 2016-12-23. Review status: criteria provided, single submitter. Criteria: LMM Criteria. Collection method: clinical testing. Allele origin: germline. Inheritance: Autosomal recessive inheritance. Observed: 2 variant alleles.
Comment: The p.His135ThrfsX (NM_001146040.1 c.403delC ) variant in GLRA1 has not been pre viously reported in the literature and was absent from large population studies. This variant is predicted to cause a frameshift, which alters the protein?s ami no acid sequence beginning at position 135 and leads to a premature termination codon 12 amino acids downstream. This alteration is then predicted to lead to a truncated or absent protein. Loss of function of the GLRA1 gene has been reporte d in individuals with autosomal recessive hereditary hyperekplexia. In summary, although additional studies are required to fully establish a null effect on the protein, the p.His135ThrfsX variant in GLRA1 is likely pathogenic for hereditar y hyperekplexia based upon its predicted functional impact.

Literature cited by the submitters: PubMed 20631190 (cited by Labcorp Genetics (formerly Invitae), Labcorp); PubMed 24108130 (cited by Labcorp Genetics (formerly Invitae), Labcorp).

NM_000171.4(GLRA1):c.403del (p.His135fs)

Gene: GLRA1 (glycine receptor alpha 1; minus strand). Cytogenetic location: 5q33.1.
Variant type: Deletion.
Coding change: c.403del on transcript NM_000171.4 (MANE Select); coding-DNA position 403, one base deleted (C; older notation c.403delC).
Protein change: p.His135fs; shifts the reading frame from histidine 135.
Molecular consequence: frameshift variant.
Genome position (GRCh38, 1-based): chr5:151,859,858, G deleted on the plus strand (C on the coding strand, the reverse complement: GLRA1 is on the minus strand); the first of 3 consecutive G bases (chr5:151,859,858-151,859,860); deleting any one gives the same sequence. VCF-style (leftmost placement, unchanged base first): chr5-151859857-TG-T. GRCh37 (hg19) VCF-style: chr5-151239418-TG-T.
Other names: c.403del, p.His135fs (NM_001146040.2); c.154del, p.His52fs (NM_001292000.2); c.403delC (NM_000171.3); c.403del (NM_000171.3); short protein forms H52fs, H135fs.
Identifiers: ClinVar variation 666970 (VCV000666970.7), dbSNP rs1581623798, ClinGen allele CA915942682.